The following is an entry in ClinVar:

NM_001206744.2(TPO):c.*81C>G

Genes: LALTOP (lung cancer associated lncRNA targeting TOP2A; minus strand), TPO (thyroid peroxidase; plus strand). Cytogenetic location: 2p25.3.
Variant type: single nucleotide variant.
Coding change: c.*81C>G on transcript NM_001206744.2 (MANE Select); 81 bases downstream of the stop codon, C replaced by G.
Molecular consequence: 3 prime UTR variant.
Genome position (GRCh38, 1-based): chr2:1,542,555, C>G. VCF-style: chr2-1542555-C-G. GRCh37 (hg19) VCF-style: chr2-1546327-C-G.
Other names: c.*81C>G (NM_000547.6, NM_001206745.2, NM_175719.4 and 2 more transcripts).
Identifiers: ClinVar variation 331644 (VCV000331644.8), dbSNP rs1042589, ClinGen allele CA1512382.

ClinVar aggregate classification (germline): Benign. Review status: criteria provided, multiple submitters, no conflicts (2 of 4 stars). 3 submissions from 3 submitters: Benign (3). Last evaluated 2018-11-12.

Conditions:
Deficiency of iodide peroxidase (TDH2A). Also called: HYPOTHYROIDISM, CONGENITAL, DUE TO DYSHORMONOGENESIS, 2A; IODIDE PEROXIDASE DEFICIENCY; THYROID HORMONOGENESIS, GENETIC DEFECT IN, 2A; THYROID PEROXIDASE DEFICIENCY; Thyroid dyshormonogenesis 2A. Identifiers: Orphanet 95716, MedGen C1291299, MONDO:0010133, OMIM 274500.

Allele frequency attached by ClinVar (database versions not stated): 1000 Genomes Project 0.35264; TOPMed 0.38039; ESP Exome Variant Server 0.38152; gnomAD 0.38164.
gnomAD v4.1: 682,846 of 1,594,544 alleles (43%); highest among the groups gnomAD compares: Middle Eastern, 50%; 148,689 homozygotes.

Submissions (3):

GeneDx
Classification: Benign. Last evaluated: 2018-11-12. Review status: criteria provided, single submitter. Criteria: GeneDx Variant Classification Process June 2021. Collection method: clinical testing. Allele origin: germline. Affected: yes.

Illumina Laboratory Services, Illumina
Classification: Benign for Deficiency of iodide peroxidase. Last evaluated: 2018-01-13. Review status: criteria provided, single submitter. Criteria: ICSL Variant Classification Criteria 13 December 2019. Collection method: clinical testing. Allele origin: germline.
Comment: This variant was observed in the ICSL laboratory as part of a predisposition screen in an ostensibly healthy population. It had not been previously curated by ICSL or reported in the Human Gene Mutation Database (HGMD: prior to June 1st, 2018), and was therefore a candidate for classification through an automated scoring system. Utilizing variant allele frequency, disease prevalence and penetrance estimates, and inheritance mode, an automated score was calculated to assess if this variant is too frequent to cause the disease. Based on the score and internal cut-off values, a variant classified as benign is not then subjected to further curation. The score for this variant resulted in a classification of benign for this disease.

Breakthrough Genomics
Classification: Benign. Review status: criteria provided, single submitter. Criteria: ACMG Guidelines, 2015. Collection method: not provided. Allele origin: germline. Inheritance: Autosomal recessive inheritance. Affected: yes.